The following is an entry in ClinVar:

ClinVar aggregate classification (germline): Uncertain significance (1 of 4 stars; one submission).

Allele frequency attached by ClinVar (database versions not stated): TOPMed below 0.00001.
gnomAD v4.1: 1 of 1,614,208 alleles (0.000062%); highest among the groups gnomAD compares: Non-Finnish European, 0.000085%; no homozygotes.

Submission:

Labcorp Genetics (formerly Invitae), Labcorp
Classification: Uncertain significance. Last evaluated: 2024-01-18. Review status: criteria provided, single submitter. Criteria: Invitae Variant Classification Sherloc (09022015). Collection method: clinical testing. Allele origin: germline.
Comment: This sequence change replaces leucine, which is neutral and non-polar, with valine, which is neutral and non-polar, at codon 253 of the DSCAML1 protein (p.Leu253Val). This variant is not present in population databases (gnomAD no frequency). This variant has not been reported in the literature in individuals affected with DSCAML1-related conditions. An algorithm developed to predict the effect of missense changes on protein structure and function (PolyPhen-2) suggests that this variant is likely to be disruptive. In summary, the available evidence is currently insufficient to determine the role of this variant in disease. Therefore, it has been classified as a Variant of Uncertain Significance.

NM_020693.4(DSCAML1):c.577C>G (p.Leu193Val)

Gene: DSCAML1 (DS cell adhesion molecule like 1; minus strand). Cytogenetic location: 11q23.3.
Variant type: single nucleotide variant.
Coding change: c.577C>G on transcript NM_020693.4 (MANE Select); coding-DNA position 577, C replaced by G.
Protein change: p.Leu193Val; replaces leucine 193 with valine.
Molecular consequence: missense variant.
Genome position (GRCh38, 1-based): chr11:117,532,457, G>C on the plus strand (C>G on the coding strand, the complement: DSCAML1 is on the minus strand). VCF-style: chr11-117532457-G-C. GRCh37 (hg19) VCF-style: chr11-117403172-G-C.
Other names: c.577C>G, p.Leu193Val (NM_001367904.1); c.169C>G, p.Leu57Val (NM_001367905.1); short protein forms L57V, L193V.
Identifiers: ClinVar variation 2963174 (VCV002963174.3), dbSNP rs2050100413, ClinGen allele CA382752019.